The following is an entry in ClinVar:

ClinVar aggregate classification (germline): Likely pathogenic (1 of 4 stars; one submission).

Conditions:
Developmental and epileptic encephalopathy, 11 (DEE11). Also called: Early infantile epileptic encephalopathy 11. Identifiers: Orphanet 1934, MedGen C3150987, MONDO:0013388, OMIM 613721.

Submission:

Institute of Human Genetics, University of Leipzig Medical Center
Classification: Likely pathogenic for Developmental and epileptic encephalopathy, 11. Last evaluated: 2023-01-19. Review status: criteria provided, single submitter. Criteria: ACMG Guidelines, 2015. Collection method: clinical testing. Allele origin: de novo. Inheritance: Autosomal dominant inheritance. Affected: yes.
Comment: Criteria applied: PM1,PM2_SUP,PP3,PS2_MOD

NM_001040142.2(SCN2A):c.4192T>A (p.Trp1398Arg)

Gene: SCN2A (sodium voltage-gated channel alpha subunit 2; plus strand). Cytogenetic location: 2q24.3.
Variant type: single nucleotide variant.
Coding change: c.4192T>A on transcript NM_001040142.2 (MANE Select); coding-DNA position 4192, T replaced by A.
Protein change: p.Trp1398Arg; replaces tryptophan 1398 with arginine.
Molecular consequence: missense variant.
Genome position (GRCh38, 1-based): chr2:165,374,904, T>A. VCF-style: chr2-165374904-T-A. GRCh37 (hg19) VCF-style: chr2-166231414-T-A.
Other names: c.4192T>A, p.Trp1398Arg (NM_001040143.2, NM_001371246.1, NM_001371247.1 and 1 more transcripts); short protein forms W1398R.
Identifiers: ClinVar variation 2430272 (VCV002430272.2), dbSNP rs2468102901, ClinGen allele CA349031424.